The following is an entry in ClinVar:

NM_023110.3(FGFR1):c.1039dup (p.Ile347fs)

Gene: FGFR1 (fibroblast growth factor receptor 1; minus strand). Cytogenetic location: 8p11.23.
Variant type: Duplication.
Coding change: c.1039dup on transcript NM_023110.3 (MANE Select); coding-DNA position 1039, one base duplicated (A; older notation c.1039dupA).
Protein change: p.Ile347fs; shifts the reading frame from isoleucine 347.
Molecular consequence: frameshift variant.
Genome position (GRCh38, 1-based): chr8:38,421,839, T duplicated on the plus strand (A on the coding strand, the reverse complement: FGFR1 is on the minus strand). VCF-style (leftmost placement, unchanged base first): chr8-38421838-A-AT. GRCh37 (hg19) VCF-style: chr8-38279356-A-AT.
Other names: c.1039dup, p.Ile347Asnfs (NM_000604.2); c.1039dup, p.Ile347fs (NM_001174063.2); c.1015dup, p.Ile339fs (NM_001174064.2); c.1033dup, p.Ile345fs (NM_001174065.2, NM_001354367.2, NM_001354369.2 and 2 more transcripts); c.772dup, p.Ile258fs (NM_001174066.2, NM_023105.3); c.1132dup, p.Ile378fs (NM_001174067.2); c.766dup, p.Ile256fs (NM_001354368.2, NM_001354370.2, NM_023106.3); short protein forms I256fs, I258fs, I339fs, I345fs, I347fs, I378fs.
Identifiers: ClinVar variation 2505381 (VCV002505381.1), dbSNP rs2537020226, ClinGen allele CA2580614548.

ClinVar aggregate classification (germline): Pathogenic (1 of 4 stars; one submission).

Conditions:
Hypogonadotropic hypogonadism 2 with or without anosmia (HH2). Also called: FGFR1-Related GnRH Deficiency (Kallmann Syndrome 2); HYPOGONADOTROPIC HYPOGONADISM 2 WITHOUT ANOSMIA; HYPOGONADOTROPIC HYPOGONADISM 2 WITH OR WITHOUT ANOSMIA, SUSCEPTIBILITY TO; HYPOGONADOTROPIC HYPOGONADISM 2 WITHOUT ANOSMIA, SUSCEPTIBILITY TO. Identifiers: Orphanet 478, MedGen C1563720, MONDO:0007844, OMIM 147950. Disease mechanism: loss of function.

Submission:

Reproductive Endocrine Unit, Massachusetts General Hospital
Classification: Pathogenic for Hypogonadotropic hypogonadism 2 with or without anosmia. Last evaluated: 2023-05-04. Review status: criteria provided, single submitter. Criteria: ACMG Guidelines, 2015. Collection method: research. Allele origin: de novo, unknown. Affected: yes. Observed: 2 variant alleles.
Comment: The variant NM_023110.2:c.1039dup, p.(Ile347Asnfs*61) het has been classified as P1a based on the variant meeting the following ACMG Criteria: PVS1,PS2,PM2,PP3.